The following is an entry in ClinVar:

NM_000020.3(ACVRL1):c.1150C>T (p.Gln384Ter)

Gene: ACVRL1 (activin A receptor like type 1; plus strand). Cytogenetic location: 12q13.13.
Variant type: single nucleotide variant.
Coding change: c.1150C>T on transcript NM_000020.3 (MANE Select); coding-DNA position 1150, C replaced by T.
Protein change: p.Gln384Ter; replaces glutamine 384 with a stop codon.
Molecular consequence: nonsense. On other transcripts: intron variant (1).
Genome position (GRCh38, 1-based): chr12:51,916,137, C>T. VCF-style: chr12-51916137-C-T. GRCh37 (hg19) VCF-style: chr12-52309921-C-T.
Other names: c.1150C>T, p.Gln384Ter (NM_001077401.2, NM_001406487.1, NM_001406488.1 and 1 more transcripts); c.838C>T, p.Gln280Ter (NM_001406490.1, NM_001406491.1, NM_001406492.1 and 1 more transcripts); c.586C>T, p.Gln196Ter (NM_001406495.1); c.736+637C>T (NM_001406494.1); short protein forms Q196*, Q280*, Q384*.
Identifiers: ClinVar variation 4685539 (VCV004685539.2).

ClinVar aggregate classification (germline): Pathogenic/Likely pathogenic. Review status: criteria provided, multiple submitters, no conflicts (2 of 4 stars). 2 submissions from 2 submitters: Pathogenic (1); Likely pathogenic (1). Last evaluated 2026-01-05.

Conditions:
Telangiectasia, hereditary hemorrhagic, type 2 (HHT2). Also called: ACVRL1-Related Hereditary Hemorrhagic Telangiectasia; Telangiectasia, hereditary hemorrhagic, type II. Identifiers: Orphanet 774, MedGen C1838163, MONDO:0010880, OMIM 600376. Disease mechanism: loss of function.

Submissions (2):

Labcorp Genetics (formerly Invitae), Labcorp
Classification: Pathogenic for Telangiectasia, hereditary hemorrhagic, type 2. Last evaluated: 2026-01-05. Review status: criteria provided, single submitter. Criteria: Invitae Variant Classification Sherloc (09022015). Collection method: clinical testing. Allele origin: germline.
Comment: This sequence change creates a premature translational stop signal (p.Gln384*) in the ACVRL1 gene. It is expected to result in an absent or disrupted protein product. Loss-of-function variants in ACVRL1 are known to be pathogenic (PMID: 15879500). This variant is not present in population databases (gnomAD no frequency). This variant has not been reported in the literature in individuals affected with ACVRL1-related conditions. For these reasons, this variant has been classified as Pathogenic.

Medical and Scientific Branch, Hong Kong Genome Institute
Classification: Likely pathogenic for Telangiectasia, hereditary hemorrhagic, type 2. Last evaluated: 2025-12-11. Review status: criteria provided, single submitter. Criteria: ACMG Guidelines, 2015. Collection method: clinical testing. Allele origin: germline. Affected: yes.

Literature cited by the submitters: PubMed 15879500 (cited by Labcorp Genetics (formerly Invitae), Labcorp).